The following is an entry in ClinVar:

NM_000051.4(ATM):c.7676_7680del (p.Ile2559fs)

Genes: ATM (ATM serine/threonine kinase; plus strand), C11orf65 (chromosome 11 open reading frame 65; minus strand). Cytogenetic location: 11q22.3.
Variant type: Deletion.
Coding change: c.7676_7680del on transcript NM_000051.4 (MANE Select); coding-DNA positions 7676 to 7680, 5 bases deleted (TTATA; older notation c.7676_7680delTTATA).
Protein change: p.Ile2559fs; shifts the reading frame from isoleucine 2559.
Molecular consequence: frameshift variant. On other transcripts: intron variant (2).
Genome position (GRCh38, 1-based): chr11:108,331,925-108,331,929, TTATA deleted; deleting any 5 consecutive bases within chr11:108,331,923-108,331,929 gives the same sequence; the c. name uses the placement nearest the transcript's 3' end. VCF-style (leftmost placement, unchanged base first): chr11-108331922-TTATTA-T. GRCh37 (hg19) VCF-style: chr11-108202649-TTATTA-T.
Other names: c.7676_7680del, p.Ile2559fs (NM_001351834.2); c.641-22856_641-22852del (NM_001330368.2); c.*38+3293_*38+3297del (NM_001351110.2); short protein forms I2559fs.
Identifiers: ClinVar variation 1360455 (VCV001360455.7), dbSNP rs2136519174, ClinGen allele CA2573146754.

ClinVar aggregate classification (germline): Pathogenic (1 of 4 stars; one submission).

Conditions:
Ataxia-telangiectasia syndrome (AT). Also called: Ataxia-telangiectasia; LOUIS-BAR SYNDROME; Ataxia-telangiectasia, complementation group D; AT, COMPLEMENTATION GROUP C; ATAXIA-TELANGIECTASIA, COMPLEMENTATION GROUP A; ATAXIA-TELANGIECTASIA, FRESNO VARIANT. Identifiers: Orphanet 100, MedGen C0004135, MONDO:0008840, OMIM 208900.

Submission:

Labcorp Genetics (formerly Invitae), Labcorp
Classification: Pathogenic for Ataxia-telangiectasia syndrome. Last evaluated: 2020-12-01. Review status: criteria provided, single submitter. Criteria: Invitae Variant Classification Sherloc (09022015). Collection method: clinical testing. Allele origin: germline.
Comment: For these reasons, this variant has been classified as Pathogenic. This variant has not been reported in the literature in individuals with ATM-related conditions. This sequence change creates a premature translational stop signal (p.Ile2559Thrfs*10) in the ATM gene. It is expected to result in an absent or disrupted protein product. Loss-of-function variants in ATM are known to be pathogenic (PMID: 23807571, 25614872). This variant is not present in population databases (ExAC no frequency).

Literature cited by the submitters: PubMed 23807571; PubMed 25614872.